The following is an entry in ClinVar:

NM_003072.5(SMARCA4):c.4445G>T (p.Ser1482Ile)

Gene: SMARCA4 (SWI/SNF related BAF chromatin remodeling complex subunit ATPase 4; plus strand). Cytogenetic location: 19p13.2.
Variant type: single nucleotide variant.
Coding change: c.4445G>T on transcript NM_003072.5 (MANE Select); coding-DNA position 4445, G replaced by T.
Protein change: p.Ser1482Ile; replaces serine 1482 with isoleucine.
Molecular consequence: missense variant. On other transcripts: non-coding transcript variant (1).
Genome position (GRCh38, 1-based): chr19:11,058,275, G>T. VCF-style: chr19-11058275-G-T. GRCh37 (hg19) VCF-style: chr19-11168951-G-T.
Other names: c.4445G>T, p.Ser1482Ile (NM_001128844.3); c.4355G>T, p.Ser1452Ile (NM_001128845.2); c.4352G>T, p.Ser1451Ile (NM_001128846.2); c.4346G>T, p.Ser1449Ile (NM_001128847.4, NM_001374457.1); c.4343G>T, p.Ser1448Ile (NM_001128848.2); c.4541G>T, p.Ser1514Ile (NM_001128849.3); short protein forms S1448I, S1449I, S1451I, S1482I, S1514I, S1452I.
Identifiers: ClinVar variation 937535 (VCV000937535.10), dbSNP rs2076660347, ClinGen allele CA404077320.

ClinVar aggregate classification (germline): Uncertain significance. Review status: criteria provided, multiple submitters, no conflicts (2 of 4 stars). 2 submissions from 2 submitters: Uncertain significance (2). Last evaluated 2024-09-01.

Conditions:
Hereditary cancer-predisposing syndrome. Also called: Tumor predisposition; Hereditary neoplastic syndrome; Hereditary Cancer Syndrome; Neoplastic Syndromes, Hereditary. Identifiers: Orphanet 140162, MedGen C0027672, MeSH D009386, MONDO:0015356.
Rhabdoid tumor predisposition syndrome 2 (RTPS2). Identifiers: Orphanet 231108, Orphanet 69077, MedGen C2750074, MONDO:0013224, OMIM 613325.

Submissions (2):

Ambry Genetics
Classification: Uncertain significance for Hereditary cancer-predisposing syndrome. Last evaluated: 2024-09-01. Review status: criteria provided, single submitter. Criteria: Ambry Variant Classification Scheme 2023. Collection method: clinical testing. Allele origin: germline.
Comment: The p.S1514I variant (also known as c.4541G>T), located in coding exon 31 of the SMARCA4 gene, results from a G to T substitution at nucleotide position 4541. The serine at codon 1514 is replaced by isoleucine, an amino acid with dissimilar properties. This amino acid position is conserved. In addition, the in silico prediction for this alteration is inconclusive. Based on the available evidence, the clinical significance of this variant remains unclear.

Labcorp Genetics (formerly Invitae), Labcorp
Classification: Uncertain significance for Rhabdoid tumor predisposition syndrome 2. Last evaluated: 2022-07-29. Review status: criteria provided, single submitter. Criteria: Invitae Variant Classification Sherloc (09022015). Collection method: clinical testing. Allele origin: germline.
Comment: This sequence change replaces serine, which is neutral and polar, with isoleucine, which is neutral and non-polar, at codon 1514 of the SMARCA4 protein (p.Ser1514Ile). This variant is not present in population databases (gnomAD no frequency). This variant has not been reported in the literature in individuals affected with SMARCA4-related conditions. ClinVar contains an entry for this variant (Variation ID: 937535). Algorithms developed to predict the effect of missense changes on protein structure and function are either unavailable or do not agree on the potential impact of this missense change (SIFT: "Deleterious"; PolyPhen-2: "Benign"; Align-GVGD: "Class C65"). In summary, the available evidence is currently insufficient to determine the role of this variant in disease. Therefore, it has been classified as a Variant of Uncertain Significance.